The following is an entry in ClinVar:

ClinVar aggregate classification (germline): Uncertain significance (1 of 4 stars; one submission).

Submission:

Ambry Genetics
Classification: Uncertain significance. Last evaluated: 2023-11-23. Review status: criteria provided, single submitter. Criteria: Ambry Variant Classification Scheme 2023. Collection method: clinical testing. Allele origin: germline.
Comment: The p.V666A variant (also known as c.1997T>C), located in coding exon 13 of the NPAT gene, results from a T to C substitution at nucleotide position 1997. The valine at codon 666 is replaced by alanine, an amino acid with similar properties. This amino acid position is conserved. In addition, this alteration is predicted to be tolerated by in silico analysis. Since supporting evidence is limited at this time, the clinical significance of this alteration remains unclear.

NM_002519.3(NPAT):c.1997T>C (p.Val666Ala)

Gene: NPAT (nuclear protein, coactivator of histone transcription; minus strand). Cytogenetic location: 11q22.3.
Variant type: single nucleotide variant.
Coding change: c.1997T>C on transcript NM_002519.3 (MANE Select); coding-DNA position 1997, T replaced by C.
Protein change: p.Val666Ala; replaces valine 666 with alanine.
Molecular consequence: missense variant.
Genome position (GRCh38, 1-based): chr11:108,172,987, A>G on the plus strand (T>C on the coding strand, the complement: NPAT is on the minus strand). VCF-style: chr11-108172987-A-G. GRCh37 (hg19) VCF-style: chr11-108043714-A-G.
Other names: c.1997T>C, p.Val666Ala (NM_001321307.1); short protein forms V666A.
Identifiers: ClinVar variation 1784077 (VCV001784077.2), dbSNP rs2496719134, ClinGen allele CA382513898.
Genomic context (GRCh38, chr11:108,172,987, plus strand): 5'-GCAACTTTCTCACAGTTAGCATTTCCACCTAAAGAGAGAAAAATAGTATTCTCTTCTTTT[A>G]CAGAAGATGAAGGCTCCTGTGAATTCTCAGACTTGGATGCCTGAGCTTCATTTTCTGTAT-3'
Protein context (NP_002510.2, residues 656-676): SENSQEPSSS[Val666Ala]KEENTIFLSL